The following is an entry in ClinVar:

ClinVar aggregate classification (germline): Uncertain significance. Review status: criteria provided, multiple submitters, no conflicts (2 of 4 stars). 2 submissions from 2 submitters: Uncertain significance (2). Last evaluated 2025-10-02.

Conditions:
Wilson disease (WND). Also called: Wilson's disease. Identifiers: Orphanet 905, MedGen C0019202, MONDO:0010200, OMIM 277900. Disease mechanism: loss of function.

gnomAD v4.1: 25 of 1,612,202 alleles (0.0016%); highest among the groups gnomAD compares: Middle Eastern, 0.033%; 1 homozygote.

Submissions (2):

Color Diagnostics, LLC DBA Color Health
Classification: Uncertain significance for Wilson disease. Last evaluated: 2025-10-02. Review status: criteria provided, single submitter. Criteria: ACMG Guidelines, 2015. Collection method: clinical testing. Allele origin: germline.
Comment: This missense variant replaces glutamic acid with lysine at codon 195 of the ATP7B protein. Computational prediction suggests that this variant may not impact protein structure and function. To our knowledge, functional studies have not been reported for this variant. This variant has not been reported in individuals affected with ATP7B-related disorders in the literature. This variant has been identified in 4/280276 chromosomes in the general population by the Genome Aggregation Database (gnomAD). The available evidence is insufficient to determine the role of this variant in disease conclusively. Therefore, this variant is classified as a Variant of Uncertain Significance.

Fulgent Genetics
Classification: Uncertain significance for Wilson disease. Last evaluated: 2024-01-04. Review status: criteria provided, single submitter. Criteria: ACMG Guidelines, 2015. Collection method: clinical testing. Allele origin: germline.

NM_000053.4(ATP7B):c.583G>A (p.Glu195Lys)

Gene: ATP7B (ATPase copper transporting beta; minus strand). Cytogenetic location: 13q14.3.
Variant type: single nucleotide variant.
Coding change: c.583G>A on transcript NM_000053.4 (MANE Select); coding-DNA position 583, G replaced by A.
Protein change: p.Glu195Lys; replaces glutamic acid 195 with lysine.
Molecular consequence: missense variant.
Genome position (GRCh38, 1-based): chr13:51,974,637, C>T on the plus strand (G>A on the coding strand, the complement: ATP7B is on the minus strand). VCF-style: chr13-51974637-C-T. GRCh37 (hg19) VCF-style: chr13-52548773-C-T.
Other names: c.583G>A, p.Glu195Lys (NM_001005918.3, NM_001243182.2, NM_001330578.2 and 30 more transcripts); c.487G>A, p.Glu163Lys (NM_001406530.1, NM_001406543.1, NM_001406544.1 and 4 more transcripts); short protein forms E163K, E195K.
Identifiers: ClinVar variation 3576324 (VCV003576324.2).